The following is an entry in ClinVar:

ClinVar aggregate classification (germline): Uncertain significance (1 of 4 stars; one submission).

gnomAD v4.1: 5 of 1,614,226 alleles (0.00031%); highest among the groups gnomAD compares: Admixed American, 0.0017%; no homozygotes.

Submission:

Labcorp Genetics (formerly Invitae), Labcorp
Classification: Uncertain significance. Last evaluated: 2024-05-10. Review status: criteria provided, single submitter. Criteria: Invitae Variant Classification Sherloc (09022015). Collection method: clinical testing. Allele origin: germline.
Comment: This sequence change replaces proline, which is neutral and non-polar, with arginine, which is basic and polar, at codon 121 of the TCF20 protein (p.Pro121Arg). This variant is not present in population databases (gnomAD no frequency). This variant has not been reported in the literature in individuals affected with TCF20-related conditions. An algorithm developed to predict the effect of missense changes on protein structure and function (PolyPhen-2) suggests that this variant is likely to be disruptive. In summary, the available evidence is currently insufficient to determine the role of this variant in disease. Therefore, it has been classified as a Variant of Uncertain Significance.

NM_001378418.1(TCF20):c.362C>G (p.Pro121Arg)

Gene: TCF20 (transcription factor 20; minus strand). Cytogenetic location: 22q13.2.
Variant type: single nucleotide variant.
Coding change: c.362C>G on transcript NM_001378418.1 (MANE Select); coding-DNA position 362, C replaced by G.
Protein change: p.Pro121Arg; replaces proline 121 with arginine.
Molecular consequence: missense variant.
Genome position (GRCh38, 1-based): chr22:42,214,944, G>C on the plus strand (C>G on the coding strand, the complement: TCF20 is on the minus strand). VCF-style: chr22-42214944-G-C. GRCh37 (hg19) VCF-style: chr22-42610950-G-C.
Other names: c.362C>G, p.Pro121Arg (NM_005650.4, NM_181492.3); short protein forms P121R.
Identifiers: ClinVar variation 3652947 (VCV003652947.2).